The following is an entry in ClinVar:

NM_000081.4(LYST):c.7230-10T>C

Gene: LYST (lysosomal trafficking regulator; minus strand). Cytogenetic location: 1q42.3.
Variant type: single nucleotide variant.
Coding change: c.7230-10T>C on transcript NM_000081.4 (MANE Select); 10 bases into the intron before coding-DNA position 7230, T replaced by C.
Molecular consequence: intron variant.
Genome position (GRCh38, 1-based): chr1:235,753,284, A>G on the plus strand (T>C on the coding strand, the complement: LYST is on the minus strand). VCF-style: chr1-235753284-A-G. GRCh37 (hg19) VCF-style: chr1-235916584-A-G.
Other names: p.?; c.7230-10T>C (NM_001301365.1).
Identifiers: ClinVar variation 2087447 (VCV002087447.5), dbSNP rs769361065, ClinGen allele CA1466174.

ClinVar aggregate classification (germline): Likely benign. Review status: criteria provided, multiple submitters, no conflicts (2 of 4 stars). 2 submissions from 2 submitters: Likely benign (2). Last evaluated 2025-04-22.

Conditions:
Chédiak-Higashi syndrome (CHS). Also called: Chediak-Higashi Syndrome. Identifiers: Orphanet 167, MedGen C0007965, MONDO:0008963, OMIM 214500.

Allele frequency attached by ClinVar (database versions not stated): ExAC 0.00001; TOPMed 0.00001; gnomAD 0.00002.
gnomAD v4.1: 3 of 1,454,120 alleles (0.00021%); highest among the groups gnomAD compares: Admixed American, 0.005%; no homozygotes.

Submissions (2):

Mayo Clinic Laboratories, Mayo Clinic
Classification: Likely benign. Last evaluated: 2025-04-22. Review status: criteria provided, single submitter. Criteria: ACMG Guidelines, 2015. Collection method: clinical testing. Allele origin: germline. Observed: 1 variant allele.
Comment: BP4, BP7, PM2_supporting

Labcorp Genetics (formerly Invitae), Labcorp
Classification: Likely benign for Chédiak-Higashi syndrome. Last evaluated: 2024-03-01. Review status: criteria provided, single submitter. Criteria: Invitae Variant Classification Sherloc (09022015). Collection method: clinical testing. Allele origin: germline.